The following is an entry in ClinVar:

NM_004408.4(DNM1):c.1053C>T (p.Ile351=)

Gene: DNM1 (dynamin 1; plus strand). Cytogenetic location: 9q34.11.
Variant type: single nucleotide variant.
Coding change: c.1053C>T on transcript NM_004408.4 (MANE Select); coding-DNA position 1053, C replaced by T.
Protein change: p.Ile351=; no amino-acid change (isoleucine 351 retained).
Molecular consequence: synonymous variant.
Genome position (GRCh38, 1-based): chr9:128,222,521, C>T. VCF-style: chr9-128222521-C-T. GRCh37 (hg19) VCF-style: chr9-130984800-C-T.
Other names: c.1053C>T, p.Ile351= (NM_001005336.3, NM_001288737.2, NM_001288738.2 and 1 more transcripts).
Identifiers: ClinVar variation 507680 (VCV000507680.10), dbSNP rs1420306273, ClinGen allele CA467481837.

ClinVar aggregate classification (germline): Likely benign. Review status: criteria provided, multiple submitters, no conflicts (2 of 4 stars). 2 submissions from 2 submitters: Likely benign (2). Last evaluated 2025-01-20.

Conditions:
Developmental and epileptic encephalopathy, 31A. Also called: Developmental and epileptic encephalopathy, 31; Epileptic encephalopathy, early infantile, 31. Identifiers: Orphanet 2382, MedGen C4225357, MONDO:0014598, OMIM 616346.

Allele frequency attached by ClinVar (database versions not stated): gnomAD 0.00001; gnomAD exomes 0.00001 and 0.00002; TOPMed 0.00003.
gnomAD v4.1: 15 of 1,614,056 alleles (0.00093%); highest among the groups gnomAD compares: Admixed American, 0.0083%; no homozygotes.

Submissions (2):

Labcorp Genetics (formerly Invitae), Labcorp
Classification: Likely benign for Developmental and epileptic encephalopathy, 31A. Last evaluated: 2025-01-20. Review status: criteria provided, single submitter. Criteria: Invitae Variant Classification Sherloc (09022015). Collection method: clinical testing. Allele origin: germline.

GeneDx
Classification: Likely benign. Last evaluated: 2017-03-02. Review status: criteria provided, single submitter. Criteria: GeneDx Variant Classification (06012015). Collection method: clinical testing. Allele origin: germline. Affected: yes.
Comment: This variant is considered likely benign or benign based on one or more of the following criteria: it is a conservative change, it occurs at a poorly conserved position in the protein, it is predicted to be benign by multiple in silico algorithms, and/or has population frequency not consistent with disease.